The following is an entry in ClinVar:

ClinVar aggregate classification (germline): Uncertain significance (1 of 4 stars; one submission).

Allele frequency attached by ClinVar (database versions not stated): gnomAD 0.00001.
gnomAD v4.1: 2 of 1,613,958 alleles (0.00012%); highest among the groups gnomAD compares: African/African-American, 0.0027%; no homozygotes.

Submission:

Labcorp Genetics (formerly Invitae), Labcorp
Classification: Uncertain significance. Last evaluated: 2021-09-21. Review status: criteria provided, single submitter. Criteria: Invitae Variant Classification Sherloc (09022015). Collection method: clinical testing. Allele origin: germline.
Comment: This sequence change replaces lysine with asparagine at codon 1771 of the VCAN protein (p.Lys1771Asn). The lysine residue is moderately conserved and there is a moderate physicochemical difference between lysine and asparagine. This variant is not present in population databases (ExAC no frequency). This variant has not been reported in the literature in individuals affected with VCAN-related conditions. Algorithms developed to predict the effect of missense changes on protein structure and function output the following: SIFT: "Tolerated"; PolyPhen-2: "Benign"; Align-GVGD: "Class C0". The asparagine amino acid residue is found in multiple mammalian species, which suggests that this missense change does not adversely affect protein function. In summary, the available evidence is currently insufficient to determine the role of this variant in disease. Therefore, it has been classified as a Variant of Uncertain Significance.

NM_004385.5(VCAN):c.5313A>T (p.Lys1771Asn)

Genes: VCAN (versican; plus strand), VCAN-AS1 (VCAN antisense RNA 1; minus strand). Cytogenetic location: 5q14.3.
Variant type: single nucleotide variant.
Coding change: c.5313A>T on transcript NM_004385.5 (MANE Select); coding-DNA position 5313, A replaced by T.
Protein change: p.Lys1771Asn; replaces lysine 1771 with asparagine.
Molecular consequence: missense variant. On other transcripts: intron variant (2).
Genome position (GRCh38, 1-based): chr5:83,538,316, A>T. VCF-style: chr5-83538316-A-T. GRCh37 (hg19) VCF-style: chr5-82834135-A-T.
Other names: c.2352A>T, p.Lys784Asn (NM_001164097.2); c.4004-7221A>T (NM_001164098.2); c.1043-7221A>T (NM_001126336.3); short protein forms K1771N, K784N.
Identifiers: ClinVar variation 1434762 (VCV001434762.6), dbSNP rs1464088296, ClinGen allele CA360310135.